The following is an entry in ClinVar:

NM_000748.3(CHRNB2):c.1231G>C (p.Ala411Pro)

Gene: CHRNB2 (cholinergic receptor nicotinic beta 2 subunit; plus strand). Cytogenetic location: 1q21.3.
Variant type: single nucleotide variant.
Coding change: c.1231G>C on transcript NM_000748.3 (MANE Select); coding-DNA position 1231, G replaced by C.
Protein change: p.Ala411Pro; replaces alanine 411 with proline.
Molecular consequence: missense variant.
Genome position (GRCh38, 1-based): chr1:154,572,054, G>C. VCF-style: chr1-154572054-G-C. GRCh37 (hg19) VCF-style: chr1-154544530-G-C.
Other names: short protein forms A411P.
Identifiers: ClinVar variation 543525 (VCV000543525.16), dbSNP rs1225745274, ClinGen allele CA342631748.

ClinVar aggregate classification (germline): Uncertain significance. Review status: criteria provided, multiple submitters, no conflicts (2 of 4 stars). 2 submissions from 2 submitters: Uncertain significance (2). Last evaluated 2025-07-01.

Conditions:
Familial sleep-related hypermotor epilepsy. Also called: Autosomal Dominant Sleep-Related Hypermotor (Hyperkinetic) Epilepsy. Identifiers: Orphanet 98784, MedGen C3696898, MONDO:0000030.

Allele frequency attached by ClinVar (database versions not stated): TOPMed below 0.00001; gnomAD exomes 0.00001.
gnomAD v4.1: 3 of 1,534,168 alleles (0.0002%); highest among the groups gnomAD compares: Non-Finnish European, 0.00026%; no homozygotes.

Submissions (2):

CeGaT Center for Human Genetics Tuebingen
Classification: Uncertain significance. Last evaluated: 2025-07-01. Review status: criteria provided, single submitter. Criteria: CeGaT Center For Human Genetics Tuebingen Variant Classification Criteria Version 2. Collection method: clinical testing. Allele origin: germline. Affected: yes. Observed: 1 variant allele.
Comment: CHRNB2: PM2

Labcorp Genetics (formerly Invitae), Labcorp
Classification: Uncertain significance. Last evaluated: 2023-10-05. Review status: criteria provided, single submitter. Criteria: Invitae Variant Classification Sherloc (09022015). Collection method: clinical testing. Allele origin: germline.
Comment: This sequence change replaces alanine, which is neutral and non-polar, with proline, which is neutral and non-polar, at codon 411 of the CHRNB2 protein (p.Ala411Pro). The frequency data for this variant in the population databases is considered unreliable, as metrics indicate poor data quality at this position in the gnomAD database. This variant has not been reported in the literature in individuals affected with CHRNB2-related conditions. ClinVar contains an entry for this variant (Variation ID: 543525). Advanced modeling of protein sequence and biophysical properties (such as structural, functional, and spatial information, amino acid conservation, physicochemical variation, residue mobility, and thermodynamic stability) performed at Invitae indicates that this missense variant is not expected to disrupt CHRNB2 protein function. In summary, the available evidence is currently insufficient to determine the role of this variant in disease. Therefore, it has been classified as a Variant of Uncertain Significance.